The following is an entry in ClinVar:

ClinVar aggregate classification (germline): Uncertain significance. Review status: criteria provided, multiple submitters, no conflicts (2 of 4 stars). 3 submissions from 3 submitters: Uncertain significance (3). Last evaluated 2024-06-18.

Conditions:
Arterial calcification, generalized, of infancy, 2. Identifiers: Orphanet 51608, MedGen C3276161, MONDO:0013768, OMIM 614473.
Autosomal recessive inherited pseudoxanthoma elasticum (PXE). Identifiers: Orphanet 758, MedGen CN032334, MONDO:0009925, OMIM 264800.
Pseudoxanthoma elasticum, forme fruste. Also called: Pseudoxanthoma Elasticum, Incomplete; PSEUDOXANTHOMA ELASTICUM, HETEROZYGOUS. Identifiers: Orphanet 758, MedGen C1867450, MONDO:0008333, OMIM 177850.

Allele frequency attached by ClinVar (database versions not stated): gnomAD exomes 0.00003 and 0.00005; gnomAD 0.00009; 1000 Genomes Project 0.00020; ExAC 0.00003; 1000 Genomes Project 30x 0.00016.
gnomAD v4.1: 60 of 1,614,128 alleles (0.0037%); highest among the groups gnomAD compares: African/African-American, 0.025%; no homozygotes.

Submissions (3):

Fulgent Genetics
Classification: Uncertain significance for Pseudoxanthoma elasticum, forme fruste; Autosomal recessive inherited pseudoxanthoma elasticum; Arterial calcification, generalized, of infancy, 2. Last evaluated: 2024-06-18. Review status: criteria provided, single submitter. Criteria: ACMG Guidelines, 2015. Collection method: clinical testing. Allele origin: germline.

Labcorp Genetics (formerly Invitae), Labcorp
Classification: Uncertain significance. Last evaluated: 2023-10-13. Review status: criteria provided, single submitter. Criteria: Invitae Variant Classification Sherloc (09022015). Collection method: clinical testing. Allele origin: germline.
Comment: This sequence change replaces arginine, which is basic and polar, with histidine, which is basic and polar, at codon 887 of the ABCC6 protein (p.Arg887His). This variant is present in population databases (rs201334880, gnomAD 0.04%). This variant has not been reported in the literature in individuals affected with ABCC6-related conditions. ClinVar contains an entry for this variant (Variation ID: 1445388). Advanced modeling of protein sequence and biophysical properties (such as structural, functional, and spatial information, amino acid conservation, physicochemical variation, residue mobility, and thermodynamic stability) performed at Invitae indicates that this missense variant is not expected to disrupt ABCC6 protein function. In summary, the available evidence is currently insufficient to determine the role of this variant in disease. Therefore, it has been classified as a Variant of Uncertain Significance.

Breakthrough Genomics
Classification: Uncertain significance. Review status: criteria provided, single submitter. Criteria: ACMG Guidelines, 2015. Collection method: not provided. Allele origin: germline. Inheritance: Autosomal recessive inheritance. Affected: yes.

NM_001171.6(ABCC6):c.2660G>A (p.Arg887His)

Gene: ABCC6 (ATP binding cassette subfamily C member 6; minus strand). Cytogenetic location: 16p13.11.
Variant type: single nucleotide variant.
Coding change: c.2660G>A on transcript NM_001171.6 (MANE Select); coding-DNA position 2660, G replaced by A.
Protein change: p.Arg887His; replaces arginine 887 with histidine.
Molecular consequence: missense variant. On other transcripts: non-coding transcript variant (1).
Genome position (GRCh38, 1-based): chr16:16,175,917, C>T on the plus strand (G>A on the coding strand, the complement: ABCC6 is on the minus strand). VCF-style: chr16-16175917-C-T. GRCh37 (hg19) VCF-style: chr16-16269774-C-T.
Other names: c.2318G>A, p.Arg773His (NM_001351800.1); short protein forms R887H, R773H.
Identifiers: ClinVar variation 1445388 (VCV001445388.7), dbSNP rs201334880, ClinGen allele CA7925840.